The following is an entry in ClinVar:

NM_000090.4(COL3A1):c.4224C>G (p.Phe1408Leu)

Gene: COL3A1 (collagen type III alpha 1 chain; plus strand). Cytogenetic location: 2q32.2.
Variant type: single nucleotide variant.
Coding change: c.4224C>G on transcript NM_000090.4 (MANE Select); coding-DNA position 4224, C replaced by G.
Protein change: p.Phe1408Leu; replaces phenylalanine 1408 with leucine.
Molecular consequence: missense variant.
Genome position (GRCh38, 1-based): chr2:189,010,860, C>G. VCF-style: chr2-189010860-C-G. GRCh37 (hg19) VCF-style: chr2-189875586-C-G.
Other names: short protein forms F1408L.
Identifiers: ClinVar variation 854170 (VCV000854170.10), dbSNP rs549672243, ClinGen allele CA076506.
Genomic context (GRCh38, chr2:189,010,860, plus strand): 5'-GGCCCTGAAGCTGATGGGGTCAAATGAAGGTGAATTCAAGGCTGAAGGAAATAGCAAATT[C>G]ACCTACACAGTTCTGGAGGATGGTTGCACGGTAGGAAACATTTTTCTCAATATAGGTCAT-3'
Protein context (NP_000081.2, residues 1398-1418): GEFKAEGNSK[Phe1408Leu]TYTVLEDGCT

ClinVar aggregate classification (germline): Uncertain significance (1 of 4 stars; one submission).

Conditions:
Ehlers-Danlos syndrome, type 4 (EDSVASC). Also called: Ehlers-Danlos Syndrome Type IV; Ehlers-Danlos syndrome vascular type; Ehlers Danlos syndrome, ecchymotic type; Ehlers Danlos syndrome, arterial type; Ehlers Danlos syndrome, Sack-Barabas type. Identifiers: Orphanet 286, MedGen C0268338, MONDO:0017314, OMIM 130050.

Allele frequency attached by ClinVar (database versions not stated): gnomAD exomes below 0.00001; ExAC 0.00001; 1000 Genomes Project 0.00020; 1000 Genomes Project 30x 0.00031.
gnomAD v4.1: 2 of 1,614,136 alleles (0.00012%); highest among the groups gnomAD compares: Admixed American, 0.0033%; no homozygotes.

Submission:

Labcorp Genetics (formerly Invitae), Labcorp
Classification: Uncertain significance for Ehlers-Danlos syndrome, type 4. Last evaluated: 2020-02-19. Review status: criteria provided, single submitter. Criteria: Invitae Variant Classification Sherloc (09022015). Collection method: clinical testing. Allele origin: germline.
Comment: This sequence change replaces phenylalanine with leucine at codon 1408 of the COL3A1 protein (p.Phe1408Leu). The phenylalanine residue is moderately conserved and there is a small physicochemical difference between phenylalanine and leucine. This variant is present in population databases (rs549672243, ExAC 0.009%). This variant has not been reported in the literature in individuals with COL3A1-related conditions. Algorithms developed to predict the effect of missense changes on protein structure and function output the following: SIFT: "Deleterious"; PolyPhen-2: "Not Available"; Align-GVGD: "Class C0". The leucine amino acid residue is found in multiple mammalian species, suggesting that this missense change does not adversely affect protein function. These predictions have not been confirmed by published functional studies and their clinical significance is uncertain. In summary, the available evidence is currently insufficient to determine the role of this variant in disease. Therefore, it has been classified as a Variant of Uncertain Significance.